The following is an entry in ClinVar:

NM_014391.3(ANKRD1):c.27+1G>T

Gene: ANKRD1 (ankyrin repeat domain 1; minus strand). Cytogenetic location: 10q23.31.
Variant type: single nucleotide variant.
Coding change: c.27+1G>T on transcript NM_014391.3 (MANE Select); the canonical splice donor site of the intron after coding-DNA position 27, G replaced by T.
Molecular consequence: splice donor variant.
Genome position (GRCh38, 1-based): chr10:90,921,000, C>A on the plus strand (G>T on the coding strand, the complement: ANKRD1 is on the minus strand). VCF-style: chr10-90921000-C-A. GRCh37 (hg19) VCF-style: chr10-92680757-C-A.
Identifiers: ClinVar variation 978293 (VCV000978293.13), dbSNP rs779910001, ClinGen allele CA5598878.

ClinVar aggregate classification (germline): Uncertain significance. Review status: criteria provided, multiple submitters, no conflicts (2 of 4 stars). 3 submissions from 3 submitters: Uncertain significance (3). Last evaluated 2025-04-03.

Conditions:
Cardiovascular phenotype. Identifiers: MedGen CN230736.
ANKRD1-related dilated cardiomyopathy. Identifiers: MedGen CN119551.
Hypertrophic cardiomyopathy 1 (CMH1). Also called: Familial hypertrophic cardiomyopathy 1; MYH7-Related Familial Hypertrophic Cardiomyopathy. Identifiers: MedGen C3495498, MONDO:0008647, OMIM 192600.

Allele frequency attached by ClinVar (database versions not stated): ExAC 0.00001; gnomAD exomes 0.00001; TOPMed 0.00001; gnomAD 0.00003.
gnomAD v4.1: 14 of 1,613,518 alleles (0.00087%); highest among the groups gnomAD compares: African/African-American, 0.017%; no homozygotes.

Submissions (3):

Ambry Genetics
Classification: Uncertain significance for Cardiovascular phenotype. Last evaluated: 2025-04-03. Review status: criteria provided, single submitter. Criteria: Ambry Variant Classification Scheme 2023. Collection method: clinical testing. Allele origin: germline.
Comment: The c.27+1G>T intronic variant results from a G to T substitution one nucleotide after coding exon 1 of the ANKRD1 gene. This nucleotide position is highly conserved in available vertebrate species. In silico splice site analysis predicts that this alteration will weaken the native splice donor site and will result in the creation or strengthening of a novel splice donor site. Alterations that disrupt the canonical splice site are expected to cause aberrant splicing, resulting in an abnormal protein or a transcript that is subject to nonsense-mediated mRNA decay. However, loss of function of ANKRD1 has not been established as a mechanism of disease. The evidence for this gene-disease relationship is limited; therefore, the clinical significance of this alteration is unclear.

Labcorp Genetics (formerly Invitae), Labcorp
Classification: Uncertain significance for ANKRD1-related dilated cardiomyopathy. Last evaluated: 2025-01-28. Review status: criteria provided, single submitter. Criteria: Invitae Variant Classification Sherloc (09022015). Collection method: clinical testing. Allele origin: germline.
Comment: This sequence change affects a donor splice site in intron 1 of the ANKRD1 gene. It is expected to disrupt RNA splicing. Variants that disrupt the donor or acceptor splice site typically lead to a loss of protein function (PMID: 16199547), however the current clinical and genetic evidence is not sufficient to establish whether loss-of-function variants in ANKRD1 cause disease. This variant is present in population databases (rs779910001, gnomAD 0.01%). This variant has not been reported in the literature in individuals affected with ANKRD1-related conditions. ClinVar contains an entry for this variant (Variation ID: 978293). Algorithms developed to predict the effect of sequence changes on RNA splicing suggest that this variant may disrupt the consensus splice site. In summary, the available evidence is currently insufficient to determine the role of this variant in disease. Therefore, it has been classified as a Variant of Uncertain Significance.

Molecular Diagnostic Laboratory for Inherited Cardiovascular Disease, Montreal Heart Institute
Classification: Uncertain significance for Hypertrophic cardiomyopathy 1. Last evaluated: 2019-06-28. Review status: criteria provided, single submitter. Criteria: ACMG Guidelines, 2015. Collection method: clinical testing. Allele origin: germline. Affected: yes.

Literature cited by the submitters: PubMed 16199547 (cited by Labcorp Genetics (formerly Invitae), Labcorp).